The following is an entry in ClinVar:

NM_001367624.2(ZNF469):c.5055C>T (p.Phe1685=)

Gene: ZNF469 (zinc finger protein 469; plus strand). Cytogenetic location: 16q24.2.
Variant type: single nucleotide variant.
Coding change: c.5055C>T on transcript NM_001367624.2 (MANE Select); coding-DNA position 5055, C replaced by T.
Protein change: p.Phe1685=; no amino-acid change (phenylalanine 1685 retained).
Molecular consequence: synonymous variant.
Genome position (GRCh38, 1-based): chr16:88,432,525, C>T. VCF-style: chr16-88432525-C-T. GRCh37 (hg19) VCF-style: chr16-88498933-C-T.
Identifiers: ClinVar variation 3014539 (VCV003014539.5), dbSNP rs779214600, ClinGen allele CA8225039.

ClinVar aggregate classification (germline): Likely benign. Review status: criteria provided, multiple submitters, no conflicts (2 of 4 stars). 2 submissions from 2 submitters: Likely benign (2). Last evaluated 2026-05-01.

Allele frequency attached by ClinVar (database versions not stated): gnomAD 0.00001; gnomAD exomes 0.00001.

Submissions (2):

CeGaT Center for Human Genetics Tuebingen
Classification: Likely benign. Last evaluated: 2026-05-01. Review status: criteria provided, single submitter. Criteria: CeGaT Center For Human Genetics Tuebingen Variant Classification Criteria Version 2. Collection method: clinical testing. Allele origin: germline. Affected: yes. Observed: 1 variant allele.
Comment: ZNF469: BP4, BP7

Labcorp Genetics (formerly Invitae), Labcorp
Classification: Likely benign. Last evaluated: 2023-10-15. Review status: criteria provided, single submitter. Criteria: Invitae Variant Classification Sherloc (09022015). Collection method: clinical testing. Allele origin: germline.